The following is an entry in ClinVar:

ClinVar aggregate classification (germline): Likely benign (1 of 4 stars; one submission).

gnomAD v4.1: 186 of 1,605,812 alleles (0.012%); highest among the groups gnomAD compares: Non-Finnish European, 0.015%; no homozygotes.

Submission:

CeGaT Center for Human Genetics Tuebingen
Classification: Likely benign. Last evaluated: 2024-09-01. Review status: criteria provided, single submitter. Criteria: CeGaT Center For Human Genetics Tuebingen Variant Classification Criteria Version 2. Collection method: clinical testing. Allele origin: germline. Affected: yes. Observed: 1 variant allele.
Comment: WDR62: BP4, BP7

NM_001083961.2(WDR62):c.1768+23C>A

Gene: WDR62 (WD repeat domain 62; plus strand). Cytogenetic location: 19q13.12.
Variant type: single nucleotide variant.
Coding change: c.1768+23C>A on transcript NM_001083961.2 (MANE Select); 23 bases into the intron after coding-DNA position 1768, C replaced by A.
Molecular consequence: intron variant.
Genome position (GRCh38, 1-based): chr19:36,086,835, C>A. VCF-style: chr19-36086835-C-A. GRCh37 (hg19) VCF-style: chr19-36577737-C-A.
Other names: c.1768+23C>A (NM_173636.5, NM_001411146.1); c.1753+23C>A (NM_001411145.1); c.1417+23C>A (NM_001411147.1).
Identifiers: ClinVar variation 3388943 (VCV003388943.14).